The following is an entry in ClinVar:

NM_001110556.2(FLNA):c.7189A>G (p.Asn2397Asp)

Gene: FLNA (filamin A; minus strand). Cytogenetic location: Xq28.
Variant type: single nucleotide variant.
Coding change: c.7189A>G on transcript NM_001110556.2 (MANE Select); coding-DNA position 7189, A replaced by G.
Protein change: p.Asn2397Asp; replaces asparagine 2397 with aspartic acid.
Molecular consequence: missense variant.
Genome position (GRCh38, 1-based): chrX:154,350,175, T>C on the plus strand (A>G on the coding strand, the complement: FLNA is on the minus strand). VCF-style: chrX-154350175-T-C. GRCh37 (hg19) VCF-style: chrX-153578543-T-C.
Other names: c.7165A>G, p.Asn2389Asp (NM_001456.4); short protein forms N2389D, N2397D.
Identifiers: ClinVar variation 2154161 (VCV002154161.4), dbSNP rs1172925963, ClinGen allele CA415184314.

ClinVar aggregate classification (germline): Uncertain significance (1 of 4 stars; one submission).

Conditions:
Oto-palato-digital syndrome, type II (OPD2). Also called: Otopalatodigital Syndrome Type 2 (FLNA-OPD2); Otopalatodigital Syndrome, Type II; FACIOPALATOOSSEOUS SYNDROME; OPD II SYNDROME. Identifiers: Orphanet 669, Orphanet 90652, MedGen C1844696, MONDO:0010571, OMIM 304120.
Frontometaphyseal dysplasia (FMD1). Identifiers: Orphanet 1826, MedGen C0265293, MONDO:0015942.
Melnick-Needles syndrome (MNS). Also called: Melnick-Needles Syndrome (FLNA-MNS); MELNICK-NEEDLES OSTEODYSPLASTY; OSTEODYSPLASTY OF MELNICK AND NEEDLES. Identifiers: Orphanet 2484, MedGen C0025237, MONDO:0010650, OMIM 309350.
Heterotopia, periventricular, X-linked dominant (PVNH1). Also called: PERIVENTRICULAR NODULAR HETEROTOPIA 4; HETEROTOPIA, PERIVENTRICULAR, 1; X-linked periventricular heterotopia; PERIVENTRICULAR NODULAR HETEROTOPIA 1. Identifiers: Orphanet 2149, Orphanet 82004, MedGen C1848213, MONDO:0010233, OMIM 300049.

Allele frequency attached by ClinVar (database versions not stated): gnomAD exomes below 0.00001; TOPMed below 0.00001.
gnomAD v4.1: 2 of 1,211,486 alleles (0.00017%); highest among the groups gnomAD compares: Non-Finnish European, 0.00022%; no homozygotes.

Submission:

Labcorp Genetics (formerly Invitae), Labcorp
Classification: Uncertain significance for Oto-palato-digital syndrome, type II; Heterotopia, periventricular, X-linked dominant; Frontometaphyseal dysplasia; Melnick-Needles syndrome. Last evaluated: 2025-07-02. Review status: criteria provided, single submitter. Criteria: Invitae Variant Classification Sherloc (09022015). Collection method: clinical testing. Allele origin: germline.
Comment: This sequence change replaces asparagine, which is neutral and polar, with aspartic acid, which is acidic and polar, at codon 2389 of the FLNA protein (p.Asn2389Asp). This variant is not present in population databases (gnomAD no frequency). This variant has not been reported in the literature in individuals affected with FLNA-related conditions. ClinVar contains an entry for this variant (Variation ID: 2154161). Invitae Evidence Modeling of protein sequence and biophysical properties (such as structural, functional, and spatial information, amino acid conservation, physicochemical variation, residue mobility, and thermodynamic stability) indicates that this missense variant is not expected to disrupt FLNA protein function with a negative predictive value of 95%. In summary, the available evidence is currently insufficient to determine the role of this variant in disease. Therefore, it has been classified as a Variant of Uncertain Significance.